The following is an entry in ClinVar:

ClinVar aggregate classification (germline): Pathogenic (1 of 4 stars; one submission).

Conditions:
Cardiovascular phenotype. Identifiers: MedGen CN230736.

Submission:

Ambry Genetics
Classification: Pathogenic for Cardiovascular phenotype. Last evaluated: 2018-05-14. Review status: criteria provided, single submitter. Criteria: Ambry Variant Classification Scheme 2023. Collection method: clinical testing. Allele origin: germline.
Comment: The c.217dupA pathogenic mutation, located in coding exon 3 of the EMD gene, results from a duplication of A at nucleotide position 217, causing a translational frameshift with a predicted alternate stop codon (p.M73Nfs*3). This alteration is expected to result in loss of function by premature protein truncation or nonsense-mediated mRNA decay. As such, this alteration is interpreted as a disease-causing mutation.

NM_000117.3(EMD):c.217dup (p.Met73fs)

Gene: EMD (emerin; plus strand). Cytogenetic location: Xq28.
Variant type: Duplication.
Coding change: c.217dup on transcript NM_000117.3 (MANE Select); coding-DNA position 217, one base duplicated (A; older notation c.217dupA).
Protein change: p.Met73fs; shifts the reading frame from methionine 73.
Molecular consequence: frameshift variant.
Genome position (GRCh38, 1-based): chrX:154,379,971, A duplicated. VCF-style (leftmost placement, unchanged base first): chrX-154379970-T-TA. GRCh37 (hg19) VCF-style: chrX-153608330-T-TA.
Other names: c.217dupA (NM_000117.2); short protein forms M73fs.
Identifiers: ClinVar variation 1787242 (VCV001787242.2), dbSNP rs2522788283, ClinGen allele CA2580101822.